The following is an entry in ClinVar:

ClinVar aggregate classification (germline): Benign/Likely benign. Review status: criteria provided, multiple submitters, no conflicts (2 of 4 stars). 8 submissions from 8 submitters: Benign (6); Likely benign (1). 1 of the submissions does not count toward it. Last evaluated 2026-01-19.

Conditions:
Charcot-Marie-Tooth disease type 4B2. Also called: CMT 4B2; Charcot-Marie-Tooth Neuropathy Type 4B2; CHARCOT-MARIE-TOOTH DISEASE, WITH FOCALLY FOLDED MYELIN SHEATHS, AUTOSOMAL RECESSIVE, TYPE 4B2; CHARCOT-MARIE-TOOTH DISEASE, DEMYELINATING, TYPE 4B2. Identifiers: Orphanet 99956, MedGen C1858278, MONDO:0011475, OMIM 604563.
SBF2-related disorder. Also called: SBF2-related condition.
Inborn genetic diseases. Identifiers: MedGen C0950123, MeSH D030342.
Charcot-Marie-Tooth disease. Also called: Charcot-Marie-Tooth Neuropathy; Charcot-Marie-Tooth Hereditary Neuropathy. Identifiers: Orphanet 166, MedGen C0007959, MONDO:0015626.
Charcot-Marie-Tooth disease type 4. Also called: Charcot-Marie-Tooth disease, type IV; Charcot-Marie-Tooth, Type 4. Identifiers: Orphanet 64749, MedGen C4082197, MONDO:0018995.

Allele frequency attached by ClinVar (database versions not stated): gnomAD 0.00003 and 0.00113; TOPMed 0.00021; gnomAD exomes 0.00189 and 0.00389; ExAC 0.00476; 1000 Genomes Project 30x 0.00828; 1000 Genomes Project 0.00839.
gnomAD v4.1: 2,946 of 1,613,064 alleles (0.18%); highest among the groups gnomAD compares: South Asian, 3.1%; 63 homozygotes.

Submissions (8):

Labcorp Genetics (formerly Invitae), Labcorp
Classification: Benign for Charcot-Marie-Tooth disease type 4. Last evaluated: 2026-01-19. Review status: criteria provided, single submitter. Criteria: Invitae Variant Classification Sherloc (09022015). Collection method: clinical testing. Allele origin: germline.

Mayo Clinic Laboratories, Mayo Clinic
Classification: Benign. Last evaluated: 2024-10-11. Review status: criteria provided, single submitter. Criteria: ACMG Guidelines, 2015. Collection method: clinical testing. Allele origin: germline. Observed: 3 variant alleles.
Comment: BA1, BP4, BP7

Ambry Genetics
Classification: Likely benign for Inborn genetic diseases. Last evaluated: 2019-07-11. Review status: criteria provided, single submitter. Criteria: Ambry Variant Classification Scheme 2023. Collection method: clinical testing. Allele origin: germline.

Genetic Services Laboratory, University of Chicago
Classification: Benign. Last evaluated: 2019-05-08. Review status: criteria provided, single submitter. Criteria: ACMG Guidelines, 2015. Collection method: clinical testing. Allele origin: germline. Affected: no.

Illumina Laboratory Services, Illumina
Classification: Benign for Charcot-Marie-Tooth disease type 4B2. Last evaluated: 2018-01-13. Review status: criteria provided, single submitter. Criteria: ICSL Variant Classification Criteria 13 December 2019. Collection method: clinical testing. Allele origin: germline.
Comment: This variant was observed in the ICSL laboratory as part of a predisposition screen in an ostensibly healthy population. It had not been previously curated by ICSL or reported in the Human Gene Mutation Database (HGMD: prior to June 1st, 2018), and was therefore a candidate for classification through an automated scoring system. Utilizing variant allele frequency, disease prevalence and penetrance estimates, and inheritance mode, an automated score was calculated to assess if this variant is too frequent to cause the disease. Based on the score and internal cut-off values, a variant classified as benign is not then subjected to further curation. The score for this variant resulted in a classification of benign for this disease.

Breakthrough Genomics
Classification: Benign. Review status: criteria provided, single submitter. Criteria: ACMG Guidelines, 2015. Collection method: not provided. Allele origin: germline. Inheritance: Autosomal recessive inheritance. Affected: yes.

Molecular Genetics Laboratory, London Health Sciences Centre
Classification: Benign for Charcot-Marie-Tooth disease. Review status: criteria provided, single submitter. Criteria: ACMG Guidelines, 2015. Collection method: clinical testing. Allele origin: germline. Affected: yes.

PreventionGenetics, part of Exact Sciences
Classification: Likely benign for SBF2-related condition. Last evaluated: 2024-04-12. Review status: no assertion criteria provided. Collection method: clinical testing. Allele origin: germline. Not counted in ClinVar's aggregate classification.
Comment: This variant is classified as likely benign based on ACMG/AMP sequence variant interpretation guidelines (Richards et al. 2015 PMID: 25741868, with internal and published modifications).

NM_030962.4(SBF2):c.93T>C (p.Phe31=)

Gene: SBF2 (SET binding factor 2; minus strand). Cytogenetic location: 11p15.4.
Variant type: single nucleotide variant.
Coding change: c.93T>C on transcript NM_030962.4 (MANE Select); coding-DNA position 93, T replaced by C.
Protein change: p.Phe31=; no amino-acid change (phenylalanine 31 retained).
Molecular consequence: synonymous variant.
Genome position (GRCh38, 1-based): chr11:10,193,950, A>G on the plus strand (T>C on the coding strand, the complement: SBF2 is on the minus strand). VCF-style: chr11-10193950-A-G. GRCh37 (hg19) VCF-style: chr11-10215497-A-G.
Other names: p.Phe31=; c.93T>C, p.Phe31= (NM_001386339.1, NM_001386342.1).
Identifiers: ClinVar variation 301929 (VCV000301929.25), dbSNP rs200263159, ClinGen allele CA5882220.
Genomic context (GRCh38, chr11:10,193,950, plus strand): 5'-ACAACCACTTACCAACTCAATTCCCTGTGGAAAAGGTGTATCATCCCAGTCCTTCTGTGG[A>G]AATCTCTGGATTATTTTCCCCAGACCTTCTCCTGATCCTGTTAATAAAATCAAAGTGAAT-3'
Protein context (NP_112224.1, residues 21-41): GEGLGKIIQR[Phe31=]PQKDWDDTPF